The following is an entry in ClinVar:

ClinVar aggregate classification (germline): Likely benign. Review status: criteria provided, multiple submitters, no conflicts (2 of 4 stars). 2 submissions from 2 submitters: Likely benign (2). Last evaluated 2026-06-01.

Allele frequency attached by ClinVar (database versions not stated): gnomAD exomes 0.00001; ExAC 0.00002; TOPMed 0.00002; gnomAD 0.00004; 1000 Genomes Project 0.00060; 1000 Genomes Project 30x 0.00062.
gnomAD v4.1: 23 of 1,614,088 alleles (0.0014%); highest among the groups gnomAD compares: Admixed American, 0.03%; no homozygotes.

Submissions (2):

CeGaT Center for Human Genetics Tuebingen
Classification: Likely benign. Last evaluated: 2026-06-01. Review status: criteria provided, single submitter. Criteria: CeGaT Center For Human Genetics Tuebingen Variant Classification Criteria Version 2. Collection method: clinical testing. Allele origin: germline. Affected: yes. Observed: 1 variant allele.
Comment: FOXP1: BP4, BP7

Labcorp Genetics (formerly Invitae), Labcorp
Classification: Likely benign. Last evaluated: 2025-12-01. Review status: criteria provided, single submitter. Criteria: Invitae Variant Classification Sherloc (09022015). Collection method: clinical testing. Allele origin: germline.

NM_001349338.3(FOXP1):c.582G>A (p.Gln194=)

Gene: FOXP1 (forkhead box P1; minus strand). Cytogenetic location: 3p13.
Variant type: single nucleotide variant.
Coding change: c.582G>A on transcript NM_001349338.3 (MANE Select); coding-DNA position 582, G replaced by A.
Protein change: p.Gln194=; no amino-acid change (glutamine 194 retained).
Molecular consequence: synonymous variant. On other transcripts: non-coding transcript variant (2).
Genome position (GRCh38, 1-based): chr3:71,047,024, C>T on the plus strand (G>A on the coding strand, the complement: FOXP1 is on the minus strand). VCF-style: chr3-71047024-C-T. GRCh37 (hg19) VCF-style: chr3-71096175-C-T.
Other names: c.582G>A, p.Gln194= (NM_001244808.3, NM_001244810.2, NM_001244814.3 and 4 more transcripts); c.354G>A, p.Gln118= (NM_001244812.3); c.282G>A, p.Gln94= (NM_001244813.3, NM_001244815.2, NM_001349342.3 and 1 more transcripts); c.279G>A, p.Gln93= (NM_001349337.2, NM_001349343.3, NM_001349344.3); c.579G>A, p.Gln193= (NM_001349341.3).
Identifiers: ClinVar variation 1919533 (VCV001919533.7), dbSNP rs188272931, ClinGen allele CA2491227.